The following is an entry in ClinVar:

ClinVar aggregate classification (germline): Uncertain significance (1 of 4 stars; one submission).

gnomAD v4.1: 1 of 1,602,422 alleles (0.000062%); highest among the groups gnomAD compares: East Asian, 0.0022%; no homozygotes.

Submission:

Labcorp Genetics (formerly Invitae), Labcorp
Classification: Uncertain significance. Last evaluated: 2025-06-01. Review status: criteria provided, single submitter. Criteria: Invitae Variant Classification Sherloc (09022015). Collection method: clinical testing. Allele origin: germline.
Comment: This sequence change replaces methionine, which is neutral and non-polar, with isoleucine, which is neutral and non-polar, at codon 697 of the PLA2G4A protein (p.Met697Ile). This variant is not present in population databases (gnomAD no frequency). This variant has not been reported in the literature in individuals affected with PLA2G4A-related conditions. Invitae Evidence Modeling of protein sequence and biophysical properties (such as structural, functional, and spatial information, amino acid conservation, physicochemical variation, residue mobility, and thermodynamic stability) has been performed for this missense variant. However, the output from this modeling did not meet the statistical confidence thresholds required to predict the impact of this variant on PLA2G4A protein function. In summary, the available evidence is currently insufficient to determine the role of this variant in disease. Therefore, it has been classified as a Variant of Uncertain Significance.

NM_024420.3(PLA2G4A):c.2091G>A (p.Met697Ile)

Gene: PLA2G4A (phospholipase A2 group IVA; plus strand). Cytogenetic location: 1q31.1.
Variant type: single nucleotide variant.
Coding change: c.2091G>A on transcript NM_024420.3 (MANE Select); coding-DNA position 2091, G replaced by A.
Protein change: p.Met697Ile; replaces methionine 697 with isoleucine.
Molecular consequence: missense variant.
Genome position (GRCh38, 1-based): chr1:186,979,445, G>A. VCF-style: chr1-186979445-G-A. GRCh37 (hg19) VCF-style: chr1-186948577-G-A.
Other names: c.1911G>A, p.Met637Ile (NM_001311193.2); short protein forms M697I, M637I.
Identifiers: ClinVar variation 4742836 (VCV004742836.1).
Genomic context (GRCh38, chr1:186,979,445, plus strand): 5'-ATTTTCAACCTTCAATTTTCAATATCCAAATCAAGCATTCAAAAGACTACATGATCTTAT[G>A]CACTTCAATACTCTGAACAACATTGATGTAAGTATCTCCTATGGCCATTGACTATGTCAA-3'
Protein context (NP_077734.2, residues 687-707): NQAFKRLHDL[Met697Ile]HFNTLNNIDV